The following is an entry in ClinVar:

ClinVar aggregate classification (germline): Uncertain significance. Review status: criteria provided, multiple submitters, no conflicts (2 of 4 stars). 4 submissions from 4 submitters: Uncertain significance (3). 1 of the submissions does not count toward it. Last evaluated 2022-06-27.

Conditions:
Stickler syndrome. Identifiers: Orphanet 828, MedGen C0265253, MONDO:0019354.
Usher syndrome type 1 (USH1). Also called: RETINITIS PIGMENTOSA AND CONGENITAL DEAFNESS. Identifiers: Orphanet 231169, Orphanet 886, MedGen C1568247, MONDO:0010168, OMIM 276900.

Allele frequency attached by ClinVar (database versions not stated): ExAC 0.00003; gnomAD 0.00003 and 0.00004; gnomAD exomes 0.00003; TOPMed 0.00003.

Submissions (4):

Labcorp Genetics (formerly Invitae), Labcorp
Classification: Uncertain significance. Last evaluated: 2022-06-27. Review status: criteria provided, single submitter. Criteria: Invitae Variant Classification Sherloc (09022015). Collection method: clinical testing. Allele origin: germline.
Comment: This sequence change replaces valine, which is neutral and non-polar, with methionine, which is neutral and non-polar, at codon 1997 of the CDH23 protein (p.Val1997Met). This variant is present in population databases (rs755121910, gnomAD 0.009%). This variant has not been reported in the literature in individuals affected with CDH23-related conditions. ClinVar contains an entry for this variant (Variation ID: 1058204). Algorithms developed to predict the effect of missense changes on protein structure and function are either unavailable or do not agree on the potential impact of this missense change (SIFT: "Deleterious"; PolyPhen-2: "Not Available"; Align-GVGD: "Class C0"). In summary, the available evidence is currently insufficient to determine the role of this variant in disease. Therefore, it has been classified as a Variant of Uncertain Significance.

Department of Otolaryngology – Head & Neck Surgery, Cochlear Implant Center
Classification: Uncertain significance for Stickler syndrome. Last evaluated: 2021-04-12. Review status: criteria provided, single submitter. Criteria: ClinGen HL ACMG Specifications v1. Collection method: clinical testing. Allele origin: germline. Affected: yes.
Comment: PM2_Moderate, BP4_Supporting

Blueprint Genetics
Classification: Uncertain significance. Last evaluated: 2018-04-11. Review status: criteria provided, single submitter. Criteria: ACMG Guidelines, 2015. Collection method: clinical testing. Allele origin: germline.

Natera, Inc.
Classification: Uncertain significance for Usher syndrome type 1. Last evaluated: 2020-08-10. Review status: no assertion criteria provided. Collection method: clinical testing. Allele origin: germline. Not counted in ClinVar's aggregate classification.

NM_022124.6(CDH23):c.5989G>A (p.Val1997Met)

Gene: CDH23 (cadherin related 23; plus strand). Cytogenetic location: 10q22.1.
Variant type: single nucleotide variant.
Coding change: c.5989G>A on transcript NM_022124.6 (MANE Select); coding-DNA position 5989, G replaced by A.
Protein change: p.Val1997Met; replaces valine 1997 with methionine.
Molecular consequence: missense variant.
Genome position (GRCh38, 1-based): chr10:71,790,353, G>A. VCF-style: chr10-71790353-G-A. GRCh37 (hg19) VCF-style: chr10-73550110-G-A.
Other names: short protein forms V1997M.
Identifiers: ClinVar variation 1058204 (VCV001058204.7), dbSNP rs755121910, ClinGen allele CA5545957.